The following is an entry in ClinVar:

NM_003919.3(SGCE):c.436T>C (p.Leu146=)

Genes: CASD1 (CAS1 domain sialic acid O acetyltransferase 1; plus strand), SGCE (sarcoglycan epsilon; minus strand). Cytogenetic location: 7q21.3.
Variant type: single nucleotide variant.
Coding change: c.436T>C on transcript NM_003919.3 (MANE Select); coding-DNA position 436, T replaced by C.
Protein change: p.Leu146=; no amino-acid change (leucine 146 retained).
Molecular consequence: synonymous variant.
Genome position (GRCh38, 1-based): chr7:94,623,352, A>G on the plus strand (T>C on the coding strand, the complement: SGCE is on the minus strand). VCF-style: chr7-94623352-A-G. GRCh37 (hg19) VCF-style: chr7-94252664-A-G.
Other names: c.436T>C, p.Leu146= (NM_001099400.2, NM_001099401.2, NM_001346717.2); c.313T>C, p.Leu105= (NM_001301139.2, NM_001362809.2); c.544T>C, p.Leu182= (NM_001346713.2, NM_001346715.2); c.349T>C, p.Leu117= (NM_001346719.2, NM_001362807.2); c.163T>C, p.Leu55= (NM_001346720.2, NM_001362808.2).
Identifiers: ClinVar variation 703274 (VCV000703274.43), dbSNP rs752074255, ClinGen allele CA4348803.

ClinVar aggregate classification (germline): Likely benign. Review status: criteria provided, multiple submitters, no conflicts (2 of 4 stars). 2 submissions from 2 submitters: Likely benign (2). Last evaluated 2025-12-21.

Conditions:
Myoclonic dystonia 11 (DYT11). Also called: Dystonia, alcohol responsive; Hereditary essential myoclonus; SGCE Myoclonus-Dystonia; Myoclonus-Dystonia; DYT-SGCE; Myoclonic dystonia. Identifiers: Orphanet 36899, MedGen C1834570, MONDO:0008044, OMIM 159900.

Allele frequency attached by ClinVar (database versions not stated): TOPMed 0.00001.
gnomAD v4.1: 58 of 1,604,200 alleles (0.0036%); highest among the groups gnomAD compares: Middle Eastern, 0.05%; 1 homozygote.

Submissions (2):

Labcorp Genetics (formerly Invitae), Labcorp
Classification: Likely benign for Myoclonic dystonia 11. Last evaluated: 2025-12-21. Review status: criteria provided, single submitter. Criteria: Invitae Variant Classification Sherloc (09022015). Collection method: clinical testing. Allele origin: germline.

CeGaT Center for Human Genetics Tuebingen
Classification: Likely benign. Last evaluated: 2022-05-01. Review status: criteria provided, single submitter. Criteria: CeGaT Center For Human Genetics Tuebingen Variant Classification Criteria Version 2. Collection method: clinical testing. Allele origin: germline. Affected: yes. Observed: 1 variant allele.
Comment: SGCE: BP4